The following is an entry in ClinVar:

NM_018896.5(CACNA1G):c.3728G>A (p.Arg1243Gln)

Gene: CACNA1G (calcium voltage-gated channel subunit alpha1 G; plus strand). Cytogenetic location: 17q21.33.
Variant type: single nucleotide variant.
Coding change: c.3728G>A on transcript NM_018896.5 (MANE Select); coding-DNA position 3728, G replaced by A.
Protein change: p.Arg1243Gln; replaces arginine 1243 with glutamine.
Molecular consequence: missense variant. On other transcripts: non-coding transcript variant (5).
Genome position (GRCh38, 1-based): chr17:50,600,763, G>A. VCF-style: chr17-50600763-G-A. GRCh37 (hg19) VCF-style: chr17-48678124-G-A.
Other names: c.3728G>A, p.Arg1243Gln (NM_001256331.2, NM_001256333.2, NM_001256334.2 and 16 more transcripts); c.3659G>A, p.Arg1220Gln (NM_001256332.2, NM_198376.3, NM_198379.3 and 5 more transcripts); short protein forms R1220Q, R1243Q.
Identifiers: ClinVar variation 2647919 (VCV002647919.27), dbSNP rs201568823, ClinGen allele CA8652816.

ClinVar aggregate classification (germline): Benign/Likely benign. Review status: criteria provided, multiple submitters, no conflicts (2 of 4 stars). 2 submissions from 2 submitters: Benign (1); Likely benign (1). Last evaluated 2023-11-03.

Allele frequency attached by ClinVar (database versions not stated): ExAC 0.00009; gnomAD 0.00013; 1000 Genomes Project 30x 0.00078; 1000 Genomes Project 0.00100.
gnomAD v4.1: 410 of 1,613,846 alleles (0.025%); highest among the groups gnomAD compares: East Asian, 0.88%; 4 homozygotes.

Submissions (2):

Labcorp Genetics (formerly Invitae), Labcorp
Classification: Likely benign. Last evaluated: 2023-11-03. Review status: criteria provided, single submitter. Criteria: Invitae Variant Classification Sherloc (09022015). Collection method: clinical testing. Allele origin: germline.

CeGaT Center for Human Genetics Tuebingen
Classification: Benign. Last evaluated: 2022-10-01. Review status: criteria provided, single submitter. Criteria: CeGaT Center For Human Genetics Tuebingen Variant Classification Criteria Version 2. Collection method: clinical testing. Allele origin: germline. Affected: yes. Observed: 1 variant allele.
Comment: CACNA1G: BS1, BS2